The following is an entry in ClinVar:

NC_000001.11:g.153799559G>A

Gene: GATAD2B (GATA zinc finger domain containing 2B; minus strand). Cytogenetic location: 1q21.3.
Variant type: single nucleotide variant.
Genome position: GRCh38 VCF-style: chr1-153799559-G-A. GRCh37 (hg19) VCF-style: chr1-153772035-G-A.
Identifiers: ClinVar variation 2639356 (VCV002639356.24), dbSNP rs59883467, ClinGen allele CA30746179.

ClinVar aggregate classification (germline): Benign (1 of 4 stars; one submission).

Allele frequency attached by ClinVar (database versions not stated): TOPMed 0.00043; gnomAD 0.00048; 1000 Genomes Project 30x 0.00265; 1000 Genomes Project 0.00319.

Submission:

CeGaT Center for Human Genetics Tuebingen
Classification: Benign. Last evaluated: 2022-10-01. Review status: criteria provided, single submitter. Criteria: CeGaT Center For Human Genetics Tuebingen Variant Classification Criteria Version 2. Collection method: clinical testing. Allele origin: germline. Affected: yes. Observed: 1 variant allele.
Comment: GATAD2B: BS1, BS2